The following is an entry in ClinVar:

NM_005898.5(CAPRIN1):c.1373G>C (p.Arg458Pro)

Gene: CAPRIN1 (cell cycle associated protein 1; plus strand). Cytogenetic location: 11p13.
Variant type: single nucleotide variant.
Coding change: c.1373G>C on transcript NM_005898.5 (MANE Select); coding-DNA position 1373, G replaced by C.
Protein change: p.Arg458Pro; replaces arginine 458 with proline.
Molecular consequence: missense variant.
Genome position (GRCh38, 1-based): chr11:34,090,258, G>C. VCF-style: chr11-34090258-G-C. GRCh37 (hg19) VCF-style: chr11-34111805-G-C.
Other names: c.1373G>C, p.Arg458Pro (NM_203364.3); short protein forms R458P.
Identifiers: ClinVar variation 4874807 (VCV004874807.2).

ClinVar aggregate classification (germline): Uncertain significance (1 of 4 stars; one submission).

Submission:

CeGaT Center for Human Genetics Tuebingen
Classification: Uncertain significance. Last evaluated: 2026-05-01. Review status: criteria provided, single submitter. Criteria: CeGaT Center For Human Genetics Tuebingen Variant Classification Criteria Version 2. Collection method: clinical testing. Allele origin: germline. Affected: yes. Observed: 1 variant allele.
Comment: CAPRIN1: PM2